The following is an entry in ClinVar:

ClinVar aggregate classification (germline): Conflicting classifications of pathogenicity. Review status: criteria provided, conflicting classifications (1 of 4 stars). 5 submissions from 5 submitters: Uncertain significance (3); Likely benign (1). 1 of the submissions does not count toward it. Last evaluated 2026-01-05.

Conditions:
Alstrom syndrome (ALMS). Identifiers: Orphanet 64, MedGen C0268425, MONDO:0008763, OMIM 203800.
Cardiovascular phenotype. Identifiers: MedGen CN230736.

Allele frequency attached by ClinVar (database versions not stated): gnomAD exomes below 0.00001; gnomAD 0.00001; TOPMed 0.00001.
gnomAD v4.1: 7 of 1,605,360 alleles (0.00044%); highest among the groups gnomAD compares: Admixed American, 0.0034%; no homozygotes.

Submissions (5):

Labcorp Genetics (formerly Invitae), Labcorp
Classification: Uncertain significance for Alstrom syndrome. Last evaluated: 2026-01-05. Review status: criteria provided, single submitter. Criteria: Invitae Variant Classification Sherloc (09022015). Collection method: clinical testing. Allele origin: germline.
Comment: This sequence change replaces arginine, which is basic and polar, with lysine, which is basic and polar, at codon 720 of the ALMS1 protein (p.Arg720Lys). This variant is not present in population databases (gnomAD no frequency). This variant has not been reported in the literature in individuals affected with ALMS1-related conditions. ClinVar contains an entry for this variant (Variation ID: 970604). An algorithm developed to predict the effect of missense changes on protein structure and function outputs the following: PolyPhen-2: "Not Available". The lysine amino acid residue is found in multiple mammalian species, which suggests that this missense change does not adversely affect protein function. In summary, the available evidence is currently insufficient to determine the role of this variant in disease. Therefore, it has been classified as a Variant of Uncertain Significance.

Blueprint Genetics
Classification: Uncertain significance. Last evaluated: 2024-08-28. Review status: criteria provided, single submitter. Criteria: ACMG Guidelines, 2015. Collection method: clinical testing. Allele origin: germline.

Ambry Genetics
Classification: Likely benign for Cardiovascular phenotype. Last evaluated: 2024-03-23. Review status: criteria provided, single submitter. Criteria: Ambry Variant Classification Scheme 2023. Collection method: clinical testing. Allele origin: germline.

Victorian Clinical Genetics Services, Murdoch Childrens Research Institute
Classification: Uncertain significance for Alstrom syndrome. Last evaluated: 2023-07-17. Review status: criteria provided, single submitter. Criteria: ACMG Guidelines, 2015. Collection method: clinical testing. Allele origin: germline. Inheritance: Autosomal recessive inheritance. Affected: yes.
Comment: Based on the classification scheme VCGS_Germline_v1.3.4, this variant is classified as VUS-3C. Following criteria are met: 0102 - Loss of function is a known mechanism of disease in this gene and is associated with Alstrom syndrome (MIM#203800). (I) 0106 - This gene is associated with autosomal recessive disease. (I) 0200 - Variant is predicted to result in a missense amino acid change from arginine to lysine. (I) 0252 - This variant is homozygous. (I) 0304 - Variant is present in gnomAD (v3) <0.01 for a recessive condition (2 heterozygotes, 0 homozygotes). (SP) 0309 - An alternative amino acid change at the same position has been observed in gnomAD (v2) (3 heterozygotes, 0 homozygotes). (I) 0504 - Same amino acid change has been observed in placental mammals. (SB) 0600 - Variant is located in the annotated ALMS repeat domain (DECIPHER). (I) 0705 - No comparable missense variants have previous evidence for pathogenicity. (I) 0809 - Previous evidence of pathogenicity for this variant is inconclusive. This variant has been classified as a VUS by clinical laboratories in ClinVar. This variant has also been observed along with a frameshift in an individual with Alstrom syndrome, but the wrong nucleotide change was listed for this variant making this report unreliable (PMID: 28112973). (I) 0905 - No published segregation evidence has been identified for this variant. (I) 1007 - No published functional evidence has been identified for this variant. (I) 1208 - Inheritance information for this variant is not currently available in this individual. (I) Legend: (SP) - Supporting pathogenic, (I) - Information, (SB) - Supporting benign

Natera, Inc.
Classification: Uncertain significance for Alstrom syndrome. Last evaluated: 2021-04-14. Review status: no assertion criteria provided. Collection method: clinical testing. Allele origin: germline. Not counted in ClinVar's aggregate classification.

Literature cited by the submitters: PubMed 28112973 (cited by Ambry Genetics and Victorian Clinical Genetics Services, Murdoch Childrens Research Institute).

NM_001378454.1(ALMS1):c.2156G>A (p.Arg719Lys)

Gene: ALMS1 (ALMS1 centrosome and basal body associated protein; plus strand). Cytogenetic location: 2p13.1.
Variant type: single nucleotide variant.
Coding change: c.2156G>A on transcript NM_001378454.1 (MANE Select); coding-DNA position 2156, G replaced by A.
Protein change: p.Arg719Lys; replaces arginine 719 with lysine.
Molecular consequence: missense variant.
Genome position (GRCh38, 1-based): chr2:73,448,683, G>A. VCF-style: chr2-73448683-G-A. GRCh37 (hg19) VCF-style: chr2-73675810-G-A.
Other names: c.2159G>A, p.Arg720Lys (NM_015120.4); short protein forms R719K, R720K.
Identifiers: ClinVar variation 970604 (VCV000970604.11), dbSNP rs923816827, ClinGen allele CA50391400.